The following is an entry in ClinVar:

ClinVar aggregate classification (germline): Conflicting classifications of pathogenicity. Review status: criteria provided, conflicting classifications (1 of 4 stars). 11 submissions from 11 submitters: Pathogenic (1); Likely pathogenic (5); Uncertain significance (5). Last evaluated 2025-09-15.

Conditions:
Inborn genetic diseases. Identifiers: MedGen C0950123, MeSH D030342.
Wilson disease (WND). Also called: Wilson's disease. Identifiers: Orphanet 905, MedGen C0019202, MONDO:0010200, OMIM 277900. Disease mechanism: loss of function.

Allele frequency attached by ClinVar (database versions not stated): TOPMed 0.00002; gnomAD exomes 0.00001.
gnomAD v4.1: 8 of 1,614,270 alleles (0.0005%); highest among the groups gnomAD compares: Admixed American, 0.0033%; no homozygotes.

Submissions (11):

Mayo Clinic Laboratories, Mayo Clinic
Classification: Pathogenic. Last evaluated: 2025-09-15. Review status: criteria provided, single submitter. Criteria: ACMG Guidelines, 2015. Collection method: clinical testing. Allele origin: germline. Observed: 1 variant allele.
Comment: PP3_moderate, PP4, PM2_supporting, PM3_very_strong

Natera, Inc.
Classification: Likely pathogenic for Wilson disease. Last evaluated: 2025-07-19. Review status: criteria provided, single submitter. Criteria: Natera Variant Classification Schema (03/2026). Collection method: clinical testing. Allele origin: germline.
Comment: The c.3551T>C variant in ATP7B is a missense variant predicted to cause substitution of isoleucine to threonine at amino acid 1184. This variant is rare in the general population with a frequency below the threshold expected for the associated phenotype(s). This variant has been observed in one or more individuals affected with the associated recessive disease, as either homozygous or compound heterozygous with a second variant (PMID: 39763201, 32770663). This variant has been identified in one or more affected individuals with a phenotype highly consistent with the associated gene (PMID: 39763201, 32770663). Computational prediction algorithms indicate this variant is likely to affect gene or protein function. Given the available evidence, this variant is classified as Likely Pathogenic.

Labcorp Genetics (formerly Invitae), Labcorp
Classification: Likely pathogenic for Wilson disease. Last evaluated: 2025-07-13. Review status: criteria provided, single submitter. Criteria: Invitae Variant Classification Sherloc (09022015). Collection method: clinical testing. Allele origin: germline.
Comment: This sequence change replaces isoleucine, which is neutral and non-polar, with threonine, which is neutral and polar, at codon 1184 of the ATP7B protein (p.Ile1184Thr). This variant is present in population databases (rs755817220, gnomAD 0.006%). This missense change has been observed in individual(s) with Wilson disease (PMID: 23518715, 25678388, 32770663). In at least one individual the data is consistent with being in trans (on the opposite chromosome) from a pathogenic variant. ClinVar contains an entry for this variant (Variation ID: 977075). Invitae Evidence Modeling of protein sequence and biophysical properties (such as structural, functional, and spatial information, amino acid conservation, physicochemical variation, residue mobility, and thermodynamic stability) indicates that this missense variant is not expected to disrupt ATP7B protein function with a negative predictive value of 80%. In summary, the currently available evidence indicates that the variant is pathogenic, but additional data are needed to prove that conclusively. Therefore, this variant has been classified as Likely Pathogenic.

ARUP Laboratories, Molecular Genetics and Genomics, ARUP Laboratories
Classification: Likely pathogenic for Wilson disease. Last evaluated: 2025-06-09. Review status: criteria provided, single submitter. Criteria: ARUP Molecular Germline Variant Investigation Process 2024. Collection method: clinical testing. Allele origin: germline.
Comment: The ATP7B c.3551T>C; p.Ile1184Thr variant (rs755817220) is reported in the literature in multiple individuals affected with Wilson disease, including several in whom it was confirmed in trans to a second pathogenic variant (Coffey 2013, Stattermayer 2015, Woiman 2020, Zhang 2022). The p.Ile1184Thr variant is found in the Latino population with an allele frequency of 0.006% (2/34,528 alleles) in the Genome Aggregation Database (v2.1.1). Computational analyses predict that this variant is deleterious (REVEL: 0.851). Based on available information, this variant is considered to be likely pathogenic. References: Coffey AJ et al. A genetic study of Wilson's disease in the United Kingdom. Brain. 2013 May;136(Pt 5):1476-87. PMID: 23518715. Stattermayer AF et al. Hepatic steatosis in Wilson disease--Role of copper and PNPLA3 mutations. J Hepatol. 2015 Jul;63(1):156-63. PMID: 25678388. Woimant F et al. A novel deep intronic variant in ATP7B in five unrelated families affected by Wilson disease. Mol Genet Genomic Med. 2020 Oct;8(10):e1428. PMID: 32770663. Zhang S et al. Clinical and genetic characterization of a large cohort of patients with Wilson's disease in China. Transl Neurodegener. 2022 Feb 28;11(1):13. PMID: 35220961.

Women's Health and Genetics/Laboratory Corporation of America, LabCorp
Classification: Uncertain significance. Last evaluated: 2024-12-09. Review status: criteria provided, single submitter. Criteria: LabCorp Variant Classification Summary - May 2015. Collection method: clinical testing. Allele origin: germline.
Comment: Variant summary: ATP7B c.3551T>C (p.Ile1184Thr) results in a non-conservative amino acid change located in the p-type atpase domain (IPR044492) of the encoded protein sequence. Five of five in-silico tools predict a damaging effect of the variant on protein function. The variant allele was found at a frequency of 8e-06 in 249588 control chromosomes. c.3551T>C has been reported in the simple heterozygous, as well as presumed or confirmed compound heterozygous state in the literature in at least 2 individuals affected with Wilson Disease (example, Coffey_2013, Nayagam_2023, Stattermayer_2015, Woimant_2020, Zhang_2022). These data indicate that the variant may be associated with disease. To our knowledge, no experimental evidence demonstrating an impact on protein function has been reported. The following publications have been ascertained in the context of this evaluation (PMID: 23518715, 36096368, 25678388, 32770663, 35220961). ClinVar contains an entry for this variant (Variation ID: 977075). Based on the evidence outlined above, the variant was classified as VUS-possibly pathogenic.

GeneDx
Classification: Uncertain significance. Last evaluated: 2024-12-05. Review status: criteria provided, single submitter. Criteria: GeneDx Variant Classification Process June 2021. Collection method: clinical testing. Allele origin: germline. Affected: yes.
Comment: Not observed at significant frequency in large population cohorts (gnomAD); In silico analysis supports that this missense variant has a deleterious effect on protein structure/function; This variant is associated with the following publications: (PMID: 22692182, 33223529, 36096368, 35220961, 25678388, 34620762, 23518715, 32770663)

Genomic Medicine Center of Excellence, King Faisal Specialist Hospital and Research Centre
Classification: Likely pathogenic for Wilson disease. Last evaluated: 2024-03-17. Review status: criteria provided, single submitter. Criteria: ACMG Guidelines, 2015. Collection method: research. Allele origin: germline.

Blueprint Genetics
Classification: Uncertain significance. Last evaluated: 2023-11-23. Review status: criteria provided, single submitter. Criteria: ACMG Guidelines, 2015. Collection method: clinical testing. Allele origin: germline.

Genome-Nilou Lab
Classification: Uncertain significance for Wilson disease. Last evaluated: 2021-08-10. Review status: criteria provided, single submitter. Criteria: ACMG Guidelines, 2015. Collection method: clinical testing. Allele origin: germline. Affected: no.

Hadassah Hebrew University Medical Center
Classification: Likely pathogenic for Wilson disease. Last evaluated: 2019-06-20. Review status: criteria provided, single submitter. Criteria: ACMG Guidelines, 2015. Collection method: clinical testing. Allele origin: germline. Affected: yes.

Ambry Genetics
Classification: Uncertain significance for Inborn genetic diseases. Last evaluated: 2014-08-20. Review status: criteria provided, single submitter. Criteria: Ambry Variant Classification Scheme 2023. Collection method: clinical testing. Allele origin: germline.
Comment: The p.I1184T variant (also known as c.3551T>C), located in coding exon 16 of the ATP7B gene, results from a T to C substitution at nucleotide position 3551. The isoleucine at codon 1184 is replaced by threonine, an amino acid with similar properties. In one study, this variant was confirmed to be in cis with a second variant, p.I381S, and in trans with a pathogenic mutation in an individual with a clinical diagnosis of Wilson disease. In another patient in this study, this variant was also seen with p.I381S as well as a different alteration; however phase was not determined (Coffey AJ, et al. Brain 2013 May; 136(Pt 5):1476-87). This variant was not reported in population based cohorts in the following databases: Database of Single Nucleotide Polymorphisms (dbSNP) and 1000 Genomes Project. In the ESP, this variant was not observed in 6189 samples (12378 alleles) with coverage at this position. This amino acid position is well conserved in available vertebrate species. In addition, this alteration is predicted to be deleterious by in silico analysis. Based on the available evidence to date, the clinical significance of the p.I1184T variant remains unclear.

Literature cited by the submitters: PubMed 23518715 (cited by 4 submitters); PubMed 25678388 (cited by 3 submitters); PubMed 32770663 (cited by 4 submitters); PubMed 35220961 (cited by Mayo Clinic Laboratories, Mayo Clinic and Women's Health and Genetics/Laboratory Corporation of America, LabCorp); PubMed 36096368 (cited by Mayo Clinic Laboratories, Mayo Clinic and Women's Health and Genetics/Laboratory Corporation of America, LabCorp); PubMed 39763201 (cited by Mayo Clinic Laboratories, Mayo Clinic and Natera, Inc.); PubMed 33223529 (cited by Hadassah Hebrew University Medical Center); PubMed 22692182 (cited by Ambry Genetics).

NM_000053.4(ATP7B):c.3551T>C (p.Ile1184Thr)

Gene: ATP7B (ATPase copper transporting beta; minus strand). Cytogenetic location: 13q14.3.
Variant type: single nucleotide variant.
Coding change: c.3551T>C on transcript NM_000053.4 (MANE Select); coding-DNA position 3551, T replaced by C.
Protein change: p.Ile1184Thr; replaces isoleucine 1184 with threonine.
Molecular consequence: missense variant.
Genome position (GRCh38, 1-based): chr13:51,941,086, A>G on the plus strand (T>C on the coding strand, the complement: ATP7B is on the minus strand). VCF-style: chr13-51941086-A-G. GRCh37 (hg19) VCF-style: chr13-52515222-A-G.
Other names: p.Ile1184Thr; c.3551T>C (NM_000053.3); c.2930T>C, p.Ile977Thr (NM_001005918.3); c.3218T>C, p.Ile1073Thr (NM_001243182.2); c.3317T>C, p.Ile1106Thr (NM_001330578.2); c.3299T>C, p.Ile1100Thr (NM_001330579.2); short protein forms I1073T, I1100T, I1106T, I1184T, I977T.
Identifiers: ClinVar variation 977075 (VCV000977075.28), dbSNP rs755817220, ClinGen allele CA250077094.